The following is an entry in ClinVar:

NM_014491.4(FOXP2):c.1144C>T (p.Arg382Ter)

Gene: FOXP2 (forkhead box P2; plus strand). Cytogenetic location: 7q31.1.
Variant type: single nucleotide variant.
Coding change: c.1144C>T on transcript NM_014491.4 (MANE Select); coding-DNA position 1144, C replaced by T.
Protein change: p.Arg382Ter; replaces arginine 382 with a stop codon.
Molecular consequence: nonsense. On other transcripts: non-coding transcript variant (2).
Genome position (GRCh38, 1-based): chr7:114,652,252, C>T. VCF-style: chr7-114652252-C-T. GRCh37 (hg19) VCF-style: chr7-114292307-C-T.
Other names: c.1141C>T, p.Arg381Ter (NM_001172766.3); c.1219C>T, p.Arg407Ter (NM_001172767.2, NM_148898.4); c.-206C>T (NM_001172777.1); c.1144C>T, p.Arg382Ter (NM_148899.3); c.1195C>T, p.Arg399Ter (NM_148900.4); short protein forms R381*, R382*, R399*, R407*.
Identifiers: ClinVar variation 2502632 (VCV002502632.1), dbSNP rs2485442559, ClinGen allele CA368964263.

ClinVar aggregate classification (germline): Pathogenic (1 of 4 stars; one submission).

Submission:

GeneDx
Classification: Pathogenic. Last evaluated: 2023-05-18. Review status: criteria provided, single submitter. Criteria: GeneDx Variant Classification Process June 2021. Collection method: clinical testing. Allele origin: germline. Affected: yes.
Comment: Nonsense variant predicted to result in protein truncation or nonsense mediated decay in a gene for which loss of function is a known mechanism of disease; Not observed at significant frequency in large population cohorts (gnomAD); Has not been previously published as pathogenic or benign to our knowledge